The following is an entry in ClinVar:

ClinVar aggregate classification (germline): Uncertain significance. Review status: criteria provided, multiple submitters, no conflicts (2 of 4 stars). 2 submissions from 2 submitters: Uncertain significance (2). Last evaluated 2023-05-17.

Conditions:
Giant axonal neuropathy 1 (GAN1). Also called: GIANT AXONAL NEUROPATHY 1, AUTOSOMAL RECESSIVE; GAN-Related Neurodegeneration. Identifiers: Orphanet 643, MedGen C1850386, MONDO:0009749, OMIM 256850.
Inborn genetic diseases. Identifiers: MedGen C0950123, MeSH D030342.

Allele frequency attached by ClinVar (database versions not stated): TOPMed below 0.00001; ExAC 0.00001; gnomAD 0.00001.
gnomAD v4.1: 11 of 1,613,644 alleles (0.00068%); highest among the groups gnomAD compares: African/African-American, 0.0027%; no homozygotes.

Submissions (2):

Ambry Genetics
Classification: Uncertain significance for Inborn genetic diseases. Last evaluated: 2023-05-17. Review status: criteria provided, single submitter. Criteria: Ambry Variant Classification Scheme 2023. Collection method: clinical testing. Allele origin: germline.

Labcorp Genetics (formerly Invitae), Labcorp
Classification: Uncertain significance for Giant axonal neuropathy 1. Last evaluated: 2022-02-19. Review status: criteria provided, single submitter. Criteria: Invitae Variant Classification Sherloc (09022015). Collection method: clinical testing. Allele origin: germline.
Comment: In summary, the available evidence is currently insufficient to determine the role of this variant in disease. Therefore, it has been classified as a Variant of Uncertain Significance. Algorithms developed to predict the effect of missense changes on protein structure and function (SIFT, PolyPhen-2, Align-GVGD) all suggest that this variant is likely to be tolerated. This variant has not been reported in the literature in individuals affected with GAN-related conditions. This variant is present in population databases (rs765337504, gnomAD 0.0009%). This sequence change replaces threonine, which is neutral and polar, with isoleucine, which is neutral and non-polar, at codon 445 of the GAN protein (p.Thr445Ile).

NM_022041.4(GAN):c.1334C>T (p.Thr445Ile)

Gene: GAN (gigaxonin; plus strand). Cytogenetic location: 16q23.2.
Variant type: single nucleotide variant.
Coding change: c.1334C>T on transcript NM_022041.4 (MANE Select); coding-DNA position 1334, C replaced by T.
Protein change: p.Thr445Ile; replaces threonine 445 with isoleucine.
Molecular consequence: missense variant.
Genome position (GRCh38, 1-based): chr16:81,365,071, C>T. VCF-style: chr16-81365071-C-T. GRCh37 (hg19) VCF-style: chr16-81398676-C-T.
Other names: c.695C>T, p.Thr232Ile (NM_001377486.1); short protein forms T232I, T445I.
Identifiers: ClinVar variation 1980671 (VCV001980671.6), dbSNP rs765337504, ClinGen allele CA8191708.